The following is an entry in ClinVar:

NM_000458.4(HNF1B):c.391C>T (p.Gln131Ter)

Gene: HNF1B (HNF1 homeobox B; minus strand). Cytogenetic location: 17q12.
Variant type: single nucleotide variant.
Coding change: c.391C>T on transcript NM_000458.4 (MANE Select); coding-DNA position 391, C replaced by T.
Protein change: p.Gln131Ter; replaces glutamine 131 with a stop codon.
Molecular consequence: nonsense.
Genome position (GRCh38, 1-based): chr17:37,739,593, G>A on the plus strand (C>T on the coding strand, the complement: HNF1B is on the minus strand). VCF-style: chr17-37739593-G-A. GRCh37 (hg19) VCF-style: chr17-36099584-G-A.
Other names: c.391C>T, p.Gln131Ter (NM_001165923.4, NM_001304286.2); short protein forms Q131*.
Identifiers: ClinVar variation 635706 (VCV000635706.1), dbSNP rs2511829685, ClinGen allele CA398751625.
Genomic context (GRCh38, chr17:37,739,593, plus strand): 5'-AGAGGTGCGACTGGTTCAGGCCGGTGACATCGACCACCTCCCTCTGGGGGATGTTGTGTT[G>A]CTGCATGTAACCCTTGATCATTTTAGCAGCCCTCCAAGGGTCCTCACTAGACAGACAAGC-3'

ClinVar aggregate classification (germline): Pathogenic (1 of 4 stars; one submission).

Conditions:
Renal cysts and diabetes syndrome (RCAD). Also called: Familial hypoplastic, glomerulocystic kidney; MATURITY-ONSET DIABETES OF THE YOUNG, TYPE 5. Identifiers: Orphanet 93111, MedGen C0431693, MONDO:0007669, OMIM 137920.

Submission:

Institute of Human Genetics, FAU Erlangen, Friedrich-Alexander-Universität Erlangen-Nürnberg
Classification: Pathogenic for Renal cysts and diabetes syndrome. Last evaluated: 2019-07-06. Review status: criteria provided, single submitter. Criteria: ACMG Guidelines, 2015. Collection method: literature only. Allele origin: germline. Affected: yes.
Comment: This variant and it's classification has been reported by Vasileiou et al. 2019; DOI:10.1101/576918. The variants has previously been reported in PMID:28912863 as "c.391C>T p.(Gln131*)" with clinical significance Pathogenic. It has been re-classified using InterVar and manual curation as Pathogenic based on PVS1 PM2 PP3.

Literature cited by the submitters: PubMed 28912863; DOI 10.1101/576918.